The following is an entry in ClinVar:

ClinVar aggregate classification (germline): Uncertain significance (1 of 4 stars; one submission).

Submission:

GeneDx
Classification: Uncertain significance. Last evaluated: 2026-01-23. Review status: criteria provided, single submitter. Criteria: GeneDx Variant Classification Process June 2021. Collection method: clinical testing. Allele origin: germline.
Comment: Not observed at significant frequency in large population cohorts (gnomAD); Initiation codon variant predicted to alter the protein; however, a downstream in-frame Methionine residue could serve as an alternate initiator codon; Has not been previously published as pathogenic or benign to our knowledge

NM_000405.5(GM2A):c.2T>C (p.Met1Thr)

Gene: GM2A (ganglioside GM2 activator; plus strand). Cytogenetic location: 5q33.1.
Variant type: single nucleotide variant.
Coding change: c.2T>C on transcript NM_000405.5 (MANE Select); coding-DNA position 2, T replaced by C.
Protein change: p.Met1Thr; changes the start codon (methionine 1).
Molecular consequence: missense variant, initiator codon variant.
Genome position (GRCh38, 1-based): chr5:151,253,218, T>C. VCF-style: chr5-151253218-T-C. GRCh37 (hg19) VCF-style: chr5-150632779-T-C.
Other names: c.2T>C, p.Met1Thr (NM_001167607.3); short protein forms M1T.
Identifiers: ClinVar variation 4887894 (VCV004887894.1).